The following is an entry in ClinVar:

ClinVar aggregate classification (germline): Uncertain significance (1 of 4 stars; one submission).

Conditions:
Hereditary cancer-predisposing syndrome. Also called: Tumor predisposition; Hereditary Cancer Syndrome; Hereditary neoplastic syndrome; Neoplastic Syndromes, Hereditary. Identifiers: Orphanet 140162, MedGen C0027672, MeSH D009386, MONDO:0015356.

Submission:

Ambry Genetics
Classification: Uncertain significance for Hereditary cancer-predisposing syndrome. Last evaluated: 2023-07-04. Review status: criteria provided, single submitter. Criteria: Ambry Variant Classification Scheme 2023. Collection method: clinical testing. Allele origin: germline.
Comment: The p.N1737Y variant (also known as c.5209A>T), located in coding exon 39 of the POLE gene, results from an A to T substitution at nucleotide position 5209. The asparagine at codon 1737 is replaced by tyrosine, an amino acid with dissimilar properties. This amino acid position is conserved. In addition, this alteration is predicted to be deleterious by in silico analysis. Since supporting evidence is limited at this time, the clinical significance of this alteration remains unclear.

NM_006231.4(POLE):c.5209A>T (p.Asn1737Tyr)

Gene: POLE (DNA polymerase epsilon, catalytic subunit; minus strand). Cytogenetic location: 12q24.33.
Variant type: single nucleotide variant.
Coding change: c.5209A>T on transcript NM_006231.4 (MANE Select); coding-DNA position 5209, A replaced by T.
Protein change: p.Asn1737Tyr; replaces asparagine 1737 with tyrosine.
Molecular consequence: missense variant.
Genome position (GRCh38, 1-based): chr12:132,641,816, T>A on the plus strand (A>T on the coding strand, the complement: POLE is on the minus strand). VCF-style: chr12-132641816-T-A. GRCh37 (hg19) VCF-style: chr12-133218402-T-A.
Other names: short protein forms N1737Y.
Identifiers: ClinVar variation 2625229 (VCV002625229.2), dbSNP rs2138525930, ClinGen allele CA387376430.
Genomic context (GRCh38, chr12:132,641,816, plus strand): 5'-TGATCCCCATGCTGTCGGCCCCCTCCATGTCGTTGACATGGTGAGACTGGAGAATGGTGT[T>A]GACGGCCAGGTTCTGAAGGTCCAGCTCCACACACACTGCACAGGAAGACGCCATGCTCAG-3'
Protein context (NP_006222.2, residues 1727-1747): VELDLQNLAV[Asn1737Tyr]TILQSHHVND